The following is an entry in ClinVar:

ClinVar aggregate classification (germline): Uncertain significance (1 of 4 stars; one submission).

Conditions:
Familial focal epilepsy with variable foci (FPEVF). Identifiers: Orphanet 98820, MedGen C1858477, MONDO:0020310.

Submission:

Labcorp Genetics (formerly Invitae), Labcorp
Classification: Uncertain significance for Familial focal epilepsy with variable foci. Last evaluated: 2022-06-08. Review status: criteria provided, single submitter. Criteria: Invitae Variant Classification Sherloc (09022015). Collection method: clinical testing. Allele origin: germline.
Comment: In summary, the available evidence is currently insufficient to determine the role of this variant in disease. Therefore, it has been classified as a Variant of Uncertain Significance. Algorithms developed to predict the effect of missense changes on protein structure and function are either unavailable or do not agree on the potential impact of this missense change (SIFT: "Deleterious"; PolyPhen-2: "Not Available"; Align-GVGD: "Class C15"). This variant has not been reported in the literature in individuals affected with DEPDC5-related conditions. This variant is not present in population databases (gnomAD no frequency). This sequence change replaces phenylalanine, which is neutral and non-polar, with leucine, which is neutral and non-polar, at codon 1482 of the DEPDC5 protein (p.Phe1482Leu).

NM_001242896.3(DEPDC5):c.4446T>G (p.Phe1482Leu)

Gene: DEPDC5 (DEP domain containing 5, GATOR1 subcomplex subunit; plus strand). Cytogenetic location: 22q12.3.
Variant type: single nucleotide variant.
Coding change: c.4446T>G on transcript NM_001242896.3 (MANE Select); coding-DNA position 4446, T replaced by G.
Protein change: p.Phe1482Leu; replaces phenylalanine 1482 with leucine.
Molecular consequence: missense variant. On other transcripts: non-coding transcript variant (5).
Genome position (GRCh38, 1-based): chr22:31,905,993, T>G. VCF-style: chr22-31905993-T-G. GRCh37 (hg19) VCF-style: chr22-32301979-T-G.
Other names: c.4419T>G, p.Phe1473Leu (NM_001136029.4); c.4146T>G, p.Phe1382Leu (NM_001242897.2); c.4380T>G, p.Phe1460Leu (NM_001363852.2, NM_001364320.2); c.4212T>G, p.Phe1404Leu (NM_001363854.2, NM_001364319.2); c.4446T>G, p.Phe1482Leu (NM_001364318.2); c.4362T>G, p.Phe1454Leu (NM_001369901.1, NM_001369902.1); c.4353T>G, p.Phe1451Leu (NM_001369903.1, NM_014662.6); short protein forms F1382L, F1454L, F1473L, F1451L, F1460L, F1404L, F1482L.
Identifiers: ClinVar variation 2088328 (VCV002088328.4), dbSNP rs2523583596, ClinGen allele CA411291556.